The following is an entry in ClinVar:

Conditions:
Arteriohepatic dysplasia. Also called: Alagille Syndrome. Identifiers: Orphanet 52, MedGen C0085280, MeSH D016738, MONDO:0007318.

Submission:

Gilbert/Spinner Lab, Children's Hospital of Philadelphia
No classification provided (evidence only). Condition: Alagille syndrome. Review status: no classification provided. Collection method: research. Allele origin: not applicable. Functional consequence: functionally_abnormal.
ClinVar note: "not provided" was previously submitted as the classification for the variant. However, the classification appeared to be based only on an observation of functional data so it was converted to no classification on 2025-07-30.

NM_000214.3(JAG1):c.687T>G (p.Cys229Trp)

Gene: JAG1 (jagged canonical Notch ligand 1; minus strand). Cytogenetic location: 20p12.2.
Variant type: single nucleotide variant.
Coding change: c.687T>G on transcript NM_000214.3 (MANE Select); coding-DNA position 687, T replaced by G.
Protein change: p.Cys229Trp; replaces cysteine 229 with tryptophan.
Molecular consequence: missense variant.
Genome position (GRCh38, 1-based): chr20:10,658,475, A>C on the plus strand (T>G on the coding strand, the complement: JAG1 is on the minus strand). VCF-style: chr20-10658475-A-C. GRCh37 (hg19) VCF-style: chr20-10639123-A-C.
Other names: short protein forms C229W.
Identifiers: ClinVar variation 3573083 (VCV003573083.2).
Genomic context (GRCh38, chr20:10,658,475, plus strand): 5'-AATGGACACTAAAAGCAACAGGCACACGTGCACATGCACACACACACACATACCTCTGTT[A>C]CATTCGGGGCCCATCCAGCCTTCCATGCAAGTTTTGTTGCCATTCTGGTCACAGGCATAG-3'
Protein context (NP_000205.1, residues 219-239): TCMEGWMGPE[Cys229Trp]NRAICRQGCS